The following is an entry in ClinVar:

NM_024577.4(SH3TC2):c.*5536T>G

Gene: SH3TC2 (SH3 domain and tetratricopeptide repeats 2; minus strand). Cytogenetic location: 5q32.
Variant type: single nucleotide variant.
Coding change: c.*5536T>G on transcript NM_024577.4 (MANE Select); 5536 bases downstream of the stop codon, T replaced by G.
Molecular consequence: 3 prime UTR variant.
Genome position (GRCh38, 1-based): chr5:148,999,175, A>C on the plus strand (T>G on the coding strand, the complement: SH3TC2 is on the minus strand). VCF-style: chr5-148999175-A-C. GRCh37 (hg19) VCF-style: chr5-148378738-A-C.
Identifiers: ClinVar variation 907919 (VCV000907919.4), dbSNP rs146756049, ClinGen allele CA128991190.

ClinVar aggregate classification (germline): Benign/Likely benign. Review status: criteria provided, single submitter (1 of 4 stars). 2 submissions from 1 submitter: Benign (1); Likely benign (1). Last evaluated 2018-01-13.

Conditions:
Susceptibility to mononeuropathy of the median nerve, mild. Also called: CARPAL TUNNEL SYNDROME, SUSCEPTIBILITY TO. Identifiers: MedGen C3150596, MONDO:0013237, OMIM 613353.
Charcot-Marie-Tooth disease type 4C (CMT4C). Also called: CMT 4C; SH3TC2-Related Hereditary Motor and Sensory Neuropathy; Charcot-Marie-Tooth Neuropathy Type 4C (CMT4C); CHARCOT-MARIE-TOOTH DISEASE, DEMYELINATING, TYPE 4C; CHARCOT-MARIE-TOOTH DISEASE, DEMYELINATING, AUTOSOMAL RECESSIVE, TYPE 4C. Identifiers: Orphanet 99949, MedGen C1866636, MONDO:0011113, OMIM 601596.

Allele frequency attached by ClinVar (database versions not stated): gnomAD 0.00289 and 0.00315; TOPMed 0.00301; 1000 Genomes Project 0.00399; 1000 Genomes Project 30x 0.00453.

Submissions (2):

Illumina Laboratory Services, Illumina
Classification: Likely benign for Charcot-Marie-Tooth disease type 4C. Last evaluated: 2018-01-13. Review status: criteria provided, single submitter. Criteria: ICSL Variant Classification Criteria 13 December 2019. Collection method: clinical testing. Allele origin: germline.
Comment: This variant was observed in the ICSL laboratory as part of a predisposition screen in an ostensibly healthy population. It had not been previously curated by ICSL or reported in the Human Gene Mutation Database (HGMD: prior to June 1st, 2018), and was therefore a candidate for classification through an automated scoring system. Utilizing variant allele frequency, disease prevalence and penetrance estimates, and inheritance mode, an automated score was calculated to assess if this variant is too frequent to cause the disease. Based on the score and internal cut-off values, a variant classified as likely benign is not then subjected to further curation. The score for this variant resulted in a classification of likely benign for this disease.

Illumina Laboratory Services, Illumina
Classification: Benign for Susceptibility to mononeuropathy of the median nerve, mild. Last evaluated: 2018-01-13. Review status: criteria provided, single submitter. Criteria: ICSL Variant Classification Criteria 13 December 2019. Collection method: clinical testing. Allele origin: germline.
Comment: This variant was observed in the ICSL laboratory as part of a predisposition screen in an ostensibly healthy population. It had not been previously curated by ICSL or reported in the Human Gene Mutation Database (HGMD: prior to June 1st, 2018), and was therefore a candidate for classification through an automated scoring system. Utilizing variant allele frequency, disease prevalence and penetrance estimates, and inheritance mode, an automated score was calculated to assess if this variant is too frequent to cause the disease. Based on the score and internal cut-off values, a variant classified as benign is not then subjected to further curation. The score for this variant resulted in a classification of benign for this disease.